The following is an entry in ClinVar:

ClinVar aggregate classification (germline): Uncertain significance (0 of 4 stars; one submission).

Conditions:
Failure to thrive in infancy. Identifiers: MedGen C1867873, HP:0001531.
Attention deficit hyperactivity disorder (ADHD). Also called: Attention-Deficit/Hyperactivity Disorder. Identifiers: MedGen C1263846, MONDO:0007743, HP:0007018.

Submission:

Medical Genetics Lab, Policlinico S. Orsola.Malpighi
Classification: Uncertain significance for Attention deficit hyperactivity disorder; Failure to thrive in infancy. Last evaluated: 2018-05-01. Review status: no assertion criteria provided. Collection method: clinical testing. Allele origin: de novo. Affected: yes.
Comment: This is a small de novo deletion. Only the PLXDC2 gene is deleted, which is not known to be relevant for neurologic development.

Single allele

Genes: MALRD1 (MAM and LDL receptor class A domain containing 1; plus strand), MALRD1-AS1 (MALRD1 antisense RNA 1; minus strand), PLXDC2 (plexin domain containing 2; plus strand), LOC124403918 (Sharpr-MPRA regulatory region 1632; plus strand), LOC129390148 (MPRA-validated peak895 silencer; plus strand). Cytogenetic location: 10p12.31.
Variant type: Deletion.
Identifiers: ClinVar variation 559400 (VCV000559400.1).